The following is an entry in ClinVar:

NM_199420.4(POLQ):c.1598G>T (p.Arg533Leu)

Gene: POLQ (DNA polymerase theta; minus strand). Cytogenetic location: 3q13.33.
Variant type: single nucleotide variant.
Coding change: c.1598G>T on transcript NM_199420.4 (MANE Select); coding-DNA position 1598, G replaced by T.
Protein change: p.Arg533Leu; replaces arginine 533 with leucine.
Molecular consequence: missense variant.
Genome position (GRCh38, 1-based): chr3:121,511,900, C>A on the plus strand (G>T on the coding strand, the complement: POLQ is on the minus strand). VCF-style: chr3-121511900-C-A. GRCh37 (hg19) VCF-style: chr3-121230747-C-A.
Other names: short protein forms R533L.
Identifiers: ClinVar variation 3229845 (VCV003229845.1), dbSNP rs375451342, ClinGen allele CA354115975.
Genomic context (GRCh38, chr3:121,511,900, plus strand): 5'-ATTTAGGCATAAAAGAGCAAATGGTAATTTAGTAAATTCTCTCTTACCTCCAGAATAGCT[C>A]GTATCATGCTGCCAGTTACTTCTTCTCCTTCTCGTCTTTGCAGACAGCTGCGAACAGGCT-3'
Protein context (NP_955452.3, residues 523-543): EGEEVTGSMI[Arg533Leu]AILEIIVGGV

ClinVar aggregate classification (germline): Uncertain significance (1 of 4 stars; one submission).

Submission:

Ambry Genetics
Classification: Uncertain significance. Last evaluated: 2023-09-15. Review status: criteria provided, single submitter. Criteria: Ambry Variant Classification Scheme 2023. Collection method: clinical testing. Allele origin: germline.
Comment: The p.R533L variant (also known as c.1598G>T), located in coding exon 10 of the POLQ gene, results from a G to T substitution at nucleotide position 1598. The arginine at codon 533 is replaced by leucine, an amino acid with dissimilar properties. This amino acid position is conserved. In addition, the in silico prediction for this alteration is inconclusive. Since supporting evidence is limited at this time, the clinical significance of this alteration remains unclear.